The following is an entry in ClinVar:

ClinVar aggregate classification (germline): Uncertain significance (1 of 4 stars; one submission).

Allele frequency attached by ClinVar (database versions not stated): gnomAD 0.00001.
gnomAD v4.1: 3 of 1,593,856 alleles (0.00019%); highest among the groups gnomAD compares: South Asian, 0.0023%; no homozygotes.

Submission:

Labcorp Genetics (formerly Invitae), Labcorp
Classification: Uncertain significance. Last evaluated: 2022-08-04. Review status: criteria provided, single submitter. Criteria: Invitae Variant Classification Sherloc (09022015). Collection method: clinical testing. Allele origin: germline.
Comment: In summary, the available evidence is currently insufficient to determine the role of this variant in disease. Therefore, it has been classified as a Variant of Uncertain Significance. Advanced modeling of protein sequence and biophysical properties (such as structural, functional, and spatial information, amino acid conservation, physicochemical variation, residue mobility, and thermodynamic stability) performed at Invitae indicates that this missense variant is not expected to disrupt FAT4 protein function. This variant has not been reported in the literature in individuals affected with FAT4-related conditions. This variant is not present in population databases (gnomAD no frequency). This sequence change replaces leucine, which is neutral and non-polar, with phenylalanine, which is neutral and non-polar, at codon 3975 of the FAT4 protein (p.Leu3975Phe).

NM_001291303.3(FAT4):c.11931G>C (p.Leu3977Phe)

Gene: FAT4 (FAT atypical cadherin 4; plus strand). Cytogenetic location: 4q28.1.
Variant type: single nucleotide variant.
Coding change: c.11931G>C on transcript NM_001291303.3 (MANE Select); coding-DNA position 11931, G replaced by C.
Protein change: p.Leu3977Phe; replaces leucine 3977 with phenylalanine.
Molecular consequence: missense variant.
Genome position (GRCh38, 1-based): chr4:125,468,537, G>C. VCF-style: chr4-125468537-G-C. GRCh37 (hg19) VCF-style: chr4-126389692-G-C.
Other names: c.11931G>C, p.Leu3977Phe (NM_001291285.3); c.11925G>C, p.Leu3975Phe (NM_024582.6); short protein forms L3975F, L3977F.
Identifiers: ClinVar variation 1951753 (VCV001951753.5), dbSNP rs762984155, ClinGen allele CA358127312.
Genomic context (GRCh38, chr4:125,468,537, plus strand): 5'-ATTTTATGCCAGTTTGTCAATTTTCCCTCCAACAGGTGTCTTTGGAAAACACTGCGAGTT[G>C]AACAGTTATGGATTTGAGGAGTTATCATACATGGAATTTCCAAGCTTGGACCCCAATAAC-3'
Protein context (NP_001278232.1, residues 3967-3987): PFGVFGKHCE[Leu3977Phe]NSYGFEELSY